The following is an entry in ClinVar:

NM_012388.4(BLOC1S6):c.359_360del (p.Lys120fs)

Gene: BLOC1S6 (biogenesis of lysosomal organelles complex 1 subunit 6; plus strand). Cytogenetic location: 15q21.1.
Variant type: Deletion.
Coding change: c.359_360del on transcript NM_012388.4 (MANE Select); coding-DNA positions 359 to 360, 2 bases deleted (AA; older notation c.359_360delAA).
Protein change: p.Lys120fs; shifts the reading frame from lysine 120.
Molecular consequence: frameshift variant. On other transcripts: 3 prime UTR variant (1), non-coding transcript variant (9).
Genome position (GRCh38, 1-based): chr15:45,605,474-45,605,475, AA deleted; deleting any 2 consecutive bases within chr15:45,605,472-45,605,475 gives the same sequence; the c. name uses the placement nearest the transcript's 3' end. VCF-style (leftmost placement, unchanged base first): chr15-45605471-GAA-G. GRCh37 (hg19) VCF-style: chr15-45897669-GAA-G.
Other names: c.374_375del, p.Lys125fs (NM_001311255.1); c.*10_*11del (NM_001311256.1); short protein forms K120fs, K125fs.
Identifiers: ClinVar variation 2750847 (VCV002750847.3), dbSNP rs2542297236, ClinGen allele CA2697549035.
Genomic context (GRCh38, chr15:45,605,471, plus strand): 5'-TATTTTTCCATGTTAAGTTTGCTGAGGCTAAACACTATCATGCCAAGTTGGTGAATATAA[GAA>G]AAGAGATGCTGATGCTTCATGAAAAAACATCAAAGTTAAAAGTGAGTTGAAAATTCTTTC-3'

ClinVar aggregate classification (germline): Uncertain significance (1 of 4 stars; one submission).

Conditions:
Hermansky-Pudlak syndrome 9 (HPS9). Identifiers: Orphanet 280663, Orphanet 79430, MedGen C3280026, MONDO:0013606, OMIM 614171.

Submission:

Labcorp Genetics (formerly Invitae), Labcorp
Classification: Uncertain significance for Hermansky-Pudlak syndrome 9. Last evaluated: 2023-11-07. Review status: criteria provided, single submitter. Criteria: Invitae Variant Classification Sherloc (09022015). Collection method: clinical testing. Allele origin: germline.
Comment: This sequence change creates a premature translational stop signal (p.Lys120Argfs*7) in the BLOC1S6 gene. While this is not anticipated to result in nonsense mediated decay, it is expected to disrupt the last 53 amino acid(s) of the BLOC1S6 protein. This variant is not present in population databases (gnomAD no frequency). This variant has not been reported in the literature in individuals affected with BLOC1S6-related conditions. Experimental studies and prediction algorithms are not available or were not evaluated, and the functional significance of this variant is currently unknown. In summary, the available evidence is currently insufficient to determine the role of this variant in disease. Therefore, it has been classified as a Variant of Uncertain Significance.